The following is an entry in ClinVar:

ClinVar aggregate classification (germline): Likely benign. Review status: criteria provided, multiple submitters, no conflicts (2 of 4 stars). 2 submissions from 2 submitters: Likely benign (2). Last evaluated 2024-10-02.

Allele frequency attached by ClinVar (database versions not stated): gnomAD exomes 0.00001; TOPMed 0.00001.
gnomAD v4.1: 16 of 1,613,634 alleles (0.00099%); highest among the groups gnomAD compares: Non-Finnish European, 0.0014%; no homozygotes.

Submissions (2):

Blueprint Genetics
Classification: Likely benign. Last evaluated: 2024-10-02. Review status: criteria provided, single submitter. Criteria: ACMG Guidelines, 2015. Collection method: clinical testing. Allele origin: germline.

GeneDx
Classification: Likely benign. Last evaluated: 2016-10-20. Review status: criteria provided, single submitter. Criteria: GeneDx Variant Classification (06012015). Collection method: clinical testing. Allele origin: germline. Affected: yes.
Comment: This variant is considered likely benign or benign based on one or more of the following criteria: it is a conservative change, it occurs at a poorly conserved position in the protein, it is predicted to be benign by multiple in silico algorithms, and/or has population frequency not consistent with disease.

NM_001365902.3(NFIX):c.1403-15C>T

Gene: NFIX (nuclear factor I X; plus strand). Cytogenetic location: 19p13.13.
Variant type: single nucleotide variant.
Coding change: c.1403-15C>T on transcript NM_001365902.3 (MANE Select); 15 bases into the intron before coding-DNA position 1403, C replaced by T.
Molecular consequence: intron variant.
Genome position (GRCh38, 1-based): chr19:13,090,284, C>T. VCF-style: chr19-13090284-C-T. GRCh37 (hg19) VCF-style: chr19-13201098-C-T.
Other names: c.1255-15C>T (NM_002501.4); c.1132-15C>T (NM_001365982.2); c.1379-15C>T (NM_001378404.1); c.1231-15C>T (NM_001271044.3); c.1451-15C>T (NM_001378405.1); c.1114-15C>T (NM_001365983.2); c.1400-15C>T (NM_001365984.2); c.1252-15C>T (NM_001365985.2); and 1 more.
Identifiers: ClinVar variation 390117 (VCV000390117.2), dbSNP rs1057523649, ClinGen allele CA16607698.